The following is an entry in ClinVar:

NM_000053.4(ATP7B):c.697_698del (p.Lys233fs)

Gene: ATP7B (ATPase copper transporting beta; minus strand). Cytogenetic location: 13q14.3.
Variant type: Deletion.
Coding change: c.697_698del on transcript NM_000053.4 (MANE Select); coding-DNA positions 697 to 698, 2 bases deleted (AA; older notation c.697_698delAA).
Protein change: p.Lys233fs; shifts the reading frame from lysine 233.
Molecular consequence: frameshift variant.
Genome position (GRCh38, 1-based): chr13:51,974,522-51,974,523, TT deleted on the plus strand (AA on the coding strand, the reverse complement: ATP7B is on the minus strand); deleting any 2 consecutive bases within chr13:51,974,522-51,974,524 gives the same sequence; the c. name uses the placement nearest the transcript's 3' end. VCF-style (leftmost placement, unchanged base first): chr13-51974521-CTT-C. GRCh37 (hg19) VCF-style: chr13-52548657-CTT-C.
Other names: c.697_698delAA (NM_000053.3); c.697_698del, p.Lys233fs (NM_001005918.3, NM_001243182.2, NM_001330578.2 and 1 more transcripts); short protein forms K233fs.
Identifiers: ClinVar variation 818035 (VCV000818035.9), dbSNP rs1023530194, ClinGen allele CA250067226.
Genomic context (GRCh38, chr13:51,974,521, plus strand): 5'-TCCTTGGTGCCCCAAGGTCTCAGAATTATTAAAATTCTGGTTAGCAGAAGATAAAGGTCT[CTT>C]TGGGTTAGTGCTTTGTAACCGCTCAATATCAATTGGTCCCAGGCTTAAGGGAGCCACTTT-3'

ClinVar aggregate classification (germline): Pathogenic/Likely pathogenic. Review status: criteria provided, multiple submitters, no conflicts (2 of 4 stars). 4 submissions from 4 submitters: Pathogenic (1); Likely pathogenic (3). Last evaluated 2025-05-29.

Conditions:
Wilson disease (WND). Also called: Wilson's disease. Identifiers: Orphanet 905, MedGen C0019202, MONDO:0010200, OMIM 277900. Disease mechanism: loss of function.

Submissions (4):

Natera, Inc.
Classification: Likely pathogenic for Wilson disease. Last evaluated: 2025-05-29. Review status: criteria provided, single submitter. Criteria: Natera Variant Classification Schema (03/2026). Collection method: clinical testing. Allele origin: germline.
Comment: The c.697_698del variant in ATP7B is a frameshift variant predicted to shift the reading frame beginning at codon 233 and leads to a stop codon 7 codons downstream. This variant is expected to result in nonsense mediated decay, truncation, or a dysfunctional protein product. This variant is rare in the general population with a frequency below the threshold expected for the associated phenotype(s). Given the available evidence, this variant is classified as Likely Pathogenic.

Baylor Genetics
Classification: Likely pathogenic for Wilson disease. Last evaluated: 2023-12-29. Review status: criteria provided, single submitter. Criteria: ACMG Guidelines, 2015. Collection method: clinical testing. Allele origin: unknown.

Labcorp Genetics (formerly Invitae), Labcorp
Classification: Pathogenic for Wilson disease. Last evaluated: 2023-05-13. Review status: criteria provided, single submitter. Criteria: Invitae Variant Classification Sherloc (09022015). Collection method: clinical testing. Allele origin: germline.
Comment: This sequence change creates a premature translational stop signal (p.Lys233Glufs*7) in the ATP7B gene. It is expected to result in an absent or disrupted protein product. Loss-of-function variants in ATP7B are known to be pathogenic (PMID: 10441329, 16283883). This variant is not present in population databases (gnomAD no frequency). This variant has not been reported in the literature in individuals affected with ATP7B-related conditions. ClinVar contains an entry for this variant (Variation ID: 818035). For these reasons, this variant has been classified as Pathogenic.

GeneDx
Classification: Likely pathogenic. Last evaluated: 2021-01-14. Review status: criteria provided, single submitter. Criteria: GeneDx Variant Classification Process June 2021. Collection method: clinical testing. Allele origin: germline. Affected: yes.
Comment: Frameshift variant predicted to result in protein truncation or nonsense-mediated decay in a gene for which loss-of-function is a known mechanism of disease; Not observed in large population cohorts (Lek et al., 2016); Has not been previously published as pathogenic or benign to our knowledge

Literature cited by the submitters: PubMed 10441329 (cited by Labcorp Genetics (formerly Invitae), Labcorp); PubMed 16283883 (cited by Labcorp Genetics (formerly Invitae), Labcorp).